The following is an entry in ClinVar:

NM_018429.3(BDP1):c.1504G>C (p.Ala502Pro)

Gene: BDP1 (BDP1 general transcription factor IIIB subunit; plus strand). Cytogenetic location: 5q13.2.
Variant type: single nucleotide variant.
Coding change: c.1504G>C on transcript NM_018429.3 (MANE Select); coding-DNA position 1504, G replaced by C.
Protein change: p.Ala502Pro; replaces alanine 502 with proline.
Molecular consequence: missense variant.
Genome position (GRCh38, 1-based): chr5:71,490,995, G>C. VCF-style: chr5-71490995-G-C. GRCh37 (hg19) VCF-style: chr5-70786822-G-C.
Other names: short protein forms A502P.
Identifiers: ClinVar variation 2408411 (VCV002408411.3), dbSNP rs142464289, ClinGen allele CA3296010.

ClinVar aggregate classification (germline): Uncertain significance. Review status: criteria provided, multiple submitters, no conflicts (2 of 4 stars). 2 submissions from 2 submitters: Uncertain significance (2). Last evaluated 2026-05-16.

Conditions:
BDP1-related disorder. Also called: BDP1-related condition.

Allele frequency attached by ClinVar (database versions not stated): ExAC 0.00004; TOPMed 0.00015; gnomAD 0.00017; 1000 Genomes Project 30x 0.00031; 1000 Genomes Project 0.00040.
gnomAD v4.1: 54 of 1,604,482 alleles (0.0034%); highest among the groups gnomAD compares: African/African-American, 0.062%; no homozygotes.

Submissions (2):

PreventionGenetics, part of Exact Sciences
Classification: Uncertain significance for BDP1-related condition. Last evaluated: 2026-05-16. Review status: criteria provided, single submitter. Criteria: ACMG Guidelines, 2015. Collection method: clinical testing. Allele origin: germline.
Comment: The BDP1 c.1504G>C variant is predicted to result in the amino acid substitution p.Ala502Pro. To our knowledge, this variant has not been reported in the literature. This variant is reported in 0.067% of alleles in individuals of African descent in gnomAD. Although we suspect that this variant may be benign, at this time, the clinical significance of this variant is uncertain due to the absence of conclusive functional and genetic evidence.

Ambry Genetics
Classification: Uncertain significance. Last evaluated: 2021-08-02. Review status: criteria provided, single submitter. Criteria: Ambry Variant Classification Scheme 2023. Collection method: clinical testing. Allele origin: germline.